The following is an entry in ClinVar:

ClinVar aggregate classification (germline): Uncertain significance (1 of 4 stars; one submission).

gnomAD v4.1: 6 of 1,207,930 alleles (0.0005%); highest among the groups gnomAD compares: Admixed American, 0.013%; no homozygotes.

Submission:

Ambry Genetics
Classification: Uncertain significance. Last evaluated: 2025-12-22. Review status: criteria provided, single submitter. Criteria: Ambry Variant Classification Scheme 2023. Collection method: clinical testing. Allele origin: germline.
Comment: The c.100G>A (p.V34I) alteration is located in exon 2 (coding exon 2) of the YIPF6 gene. This alteration results from a G to A substitution at nucleotide position 100, causing the valine (V) at amino acid position 34 to be replaced by an isoleucine (I). Based on data from gnomAD, the A allele has an overall frequency of 0.001% (2/180267) total alleles studied. The highest observed frequency was 0.008% (2/26583) of Latino alleles. Based on insufficient or conflicting evidence, the clinical significance of this alteration remains unclear.

NM_173834.4(YIPF6):c.100G>A (p.Val34Ile)

Gene: YIPF6 (Yip1 domain family member 6; plus strand). Cytogenetic location: Xq13.1.
Variant type: single nucleotide variant.
Coding change: c.100G>A on transcript NM_173834.4 (MANE Select); coding-DNA position 100, G replaced by A.
Protein change: p.Val34Ile; replaces valine 34 with isoleucine.
Molecular consequence: missense variant. On other transcripts: intron variant (1).
Genome position (GRCh38, 1-based): chrX:68,511,891, G>A. VCF-style: chrX-68511891-G-A. GRCh37 (hg19) VCF-style: chrX-67731733-G-A.
Other names: c.58-1436G>A (NM_001195214.2); short protein forms V34I.
Identifiers: ClinVar variation 4838334 (VCV004838334.1).
Genomic context (GRCh38, chrX:68,511,891, plus strand): 5'-TCCCCTGACTCTTCTCAGTTTGCAGGCCTTTCAGATATATCCATCTCACAAGACATCCCC[G>A]TAGAAGGAGAAATCACCATTCCTATGAGATCTCGCATCCGGGAGTTTGACAGCTCCACAT-3'
Protein context (NP_776195.2, residues 24-44): SDISISQDIP[Val34Ile]EGEITIPMRS